The following is an entry in ClinVar:

NM_000057.4(BLM):c.3026A>G (p.Lys1009Arg)

Gene: BLM (BLM RecQ like helicase; plus strand). Cytogenetic location: 15q26.1.
Variant type: single nucleotide variant.
Coding change: c.3026A>G on transcript NM_000057.4 (MANE Select); coding-DNA position 3026, A replaced by G.
Protein change: p.Lys1009Arg; replaces lysine 1009 with arginine.
Molecular consequence: missense variant.
Genome position (GRCh38, 1-based): chr15:90,794,173, A>G. VCF-style: chr15-90794173-A-G. GRCh37 (hg19) VCF-style: chr15-91337403-A-G.
Other names: c.3026A>G, p.Lys1009Arg (NM_001287246.2, NM_001287247.2); c.1901A>G, p.Lys634Arg (NM_001287248.2); short protein forms K1009R, K634R.
Identifiers: ClinVar variation 4622516 (VCV004622516.1).
Genomic context (GRCh38, chr15:90,794,173, plus strand): 5'-ATGCTCTATTTTTCCCCTATAAGTATGTCTTACTATAGTCTTCATCTCTTTTAGTGGAAA[A>G]AGATGGAAACCATCATACAAGAGAAACTCACTTCAATAATTTGTATAGCATGGTACATTA-3'
Protein context (NP_000048.1, residues 999-1019): TRLKRLIMME[Lys1009Arg]DGNHHTRETH

ClinVar aggregate classification (germline): Uncertain significance (1 of 4 stars; one submission).

Conditions:
Hereditary cancer-predisposing syndrome. Also called: Neoplastic Syndromes, Hereditary; Tumor predisposition; Hereditary Cancer Syndrome; Hereditary neoplastic syndrome. Identifiers: Orphanet 140162, MedGen C0027672, MeSH D009386, MONDO:0015356.

Submission:

Ambry Genetics
Classification: Uncertain significance for Hereditary cancer-predisposing syndrome. Last evaluated: 2025-09-19. Review status: criteria provided, single submitter. Criteria: Ambry Variant Classification Scheme 2023. Collection method: clinical testing. Allele origin: germline.
Comment: The p.K1009R variant (also known as c.3026A>G), located in coding exon 15 of the BLM gene, results from an A to G substitution at nucleotide position 3026. The lysine at codon 1009 is replaced by arginine, an amino acid with highly similar properties. This amino acid position is conserved. In addition, this alteration is predicted to be tolerated by in silico analysis. Based on the available evidence, the clinical significance of this variant remains unclear.